The following is an entry in ClinVar:

NM_001378454.1(ALMS1):c.725C>G (p.Ser242Cys)

Gene: ALMS1 (ALMS1 centrosome and basal body associated protein; plus strand). Cytogenetic location: 2p13.1.
Variant type: single nucleotide variant.
Coding change: c.725C>G on transcript NM_001378454.1 (MANE Select); coding-DNA position 725, C replaced by G.
Protein change: p.Ser242Cys; replaces serine 242 with cysteine.
Molecular consequence: missense variant.
Genome position (GRCh38, 1-based): chr2:73,422,935, C>G. VCF-style: chr2-73422935-C-G. GRCh37 (hg19) VCF-style: chr2-73650063-C-G.
Other names: c.728C>G, p.Ser243Cys (NM_015120.4); short protein forms S242C, S243C.
Identifiers: ClinVar variation 2158980 (VCV002158980.3), dbSNP rs769253542, ClinGen allele CA347260198.

ClinVar aggregate classification (germline): Uncertain significance (1 of 4 stars; one submission).

Conditions:
Alstrom syndrome (ALMS). Identifiers: Orphanet 64, MedGen C0268425, MONDO:0008763, OMIM 203800.

Allele frequency attached by ClinVar (database versions not stated): TOPMed below 0.00001.
gnomAD v4.1: 3 of 1,613,606 alleles (0.00019%); highest among the groups gnomAD compares: Non-Finnish European, 0.00025%; no homozygotes.

Submission:

Labcorp Genetics (formerly Invitae), Labcorp
Classification: Uncertain significance for Alstrom syndrome. Last evaluated: 2023-06-28. Review status: criteria provided, single submitter. Criteria: Invitae Variant Classification Sherloc (09022015). Collection method: clinical testing. Allele origin: germline.
Comment: In summary, the available evidence is currently insufficient to determine the role of this variant in disease. Therefore, it has been classified as a Variant of Uncertain Significance. Experimental studies and prediction algorithms are not available or were not evaluated, and the functional significance of this variant is currently unknown. ClinVar contains an entry for this variant (Variation ID: 2158980). This variant has not been reported in the literature in individuals affected with ALMS1-related conditions. This variant is not present in population databases (gnomAD no frequency). This sequence change replaces serine, which is neutral and polar, with cysteine, which is neutral and slightly polar, at codon 243 of the ALMS1 protein (p.Ser243Cys).